The following is an entry in ClinVar:

Single allele

Genes: ADORA2B (adenosine A2b receptor; plus strand), ADPRM (ADP-ribose/CDP-alcohol diphosphatase, manganese dependent; plus strand), ARHGAP44 (Rho GTPase activating protein 44; plus strand), CDRT15 (CMT1A duplicated region transcript 15; minus strand), CDRT4 (CMT1A duplicated region transcript 4; minus strand) and 38 more. Cytogenetic location: 17p13.1-11.2.
Variant type: Complex.
Identifiers: ClinVar variation 221346 (VCV000221346.2).

ClinVar aggregate classification (germline): Uncertain significance (0 of 4 stars; one submission).

Conditions:
Breast ductal adenocarcinoma. Also called: Ductal breast carcinoma; Breast cancer, invasive ductal. Identifiers: MedGen C1527349, MONDO:0005590.

Submission:

Next Generation Diagnostics, Novartis Institutes for BioMedical Research, Inc.
Classification: Uncertain significance for Breast ductal adenocarcinoma. Last evaluated: 2015-07-20. Review status: no assertion criteria provided. Collection method: research. Allele origin: somatic. Affected: yes.
Comment: Loss of heterozygosity